The following is an entry in ClinVar:

ClinVar aggregate classification (germline): Uncertain significance (1 of 4 stars; one submission).

Conditions:
Dyskeratosis congenita, autosomal recessive 5 (DKCB5). Identifiers: MedGen C3554656, MONDO:0014076, OMIM 615190.
Pulmonary fibrosis and/or bone marrow failure, Telomere-related, 3. Also called: PULMONARY FIBROSIS AND/OR BONE MARROW FAILURE SYNDROME, TELOMERE-RELATED, 3. Identifiers: Orphanet 2032, MedGen C4225346, MONDO:0014613, OMIM 616373.

Submission:

Labcorp Genetics (formerly Invitae), Labcorp
Classification: Uncertain significance for Dyskeratosis congenita, autosomal recessive 5; Pulmonary fibrosis and/or bone marrow failure, Telomere-related, 3. Last evaluated: 2022-04-11. Review status: criteria provided, single submitter. Criteria: Invitae Variant Classification Sherloc (09022015). Collection method: clinical testing. Allele origin: germline.
Comment: This variant is a gross deletion of the genomic region encompassing exon(s) 31-32 of the RTEL1 gene. This variant would be expected to be in-frame, preserving the integrity of the reading frame. This variant has not been reported in the literature in individuals affected with RTEL1-related conditions. Experimental studies and prediction algorithms are not available or were not evaluated, and the functional significance of this variant is currently unknown. In summary, the available evidence is currently insufficient to determine the role of this variant in disease. Therefore, it has been classified as a Variant of Uncertain Significance.

NC_000020.10:g.(?_62325715)_(62326337_?)del

Gene: RTEL1 (regulator of telomere elongation helicase 1; plus strand). Cytogenetic location: 20q13.33.
Variant type: Deletion.
Identifiers: ClinVar variation 2424106 (VCV002424106.8).